The following is an entry in ClinVar:

NM_004181.5(UCHL1):c.-16C>T

Gene: UCHL1 (ubiquitin C-terminal hydrolase L1; plus strand). Cytogenetic location: 4p13.
Variant type: single nucleotide variant.
Coding change: c.-16C>T on transcript NM_004181.5 (MANE Select); 16 bases upstream of the start codon, C replaced by T.
Molecular consequence: 5 prime UTR variant.
Genome position (GRCh38, 1-based): chr4:41,256,961, C>T. VCF-style: chr4-41256961-C-T. GRCh37 (hg19) VCF-style: chr4-41258978-C-T.
Identifiers: ClinVar variation 348767 (VCV000348767.9), dbSNP rs9321, ClinGen allele CA2899850.

ClinVar aggregate classification (germline): Benign. Review status: criteria provided, multiple submitters, no conflicts (2 of 4 stars). 3 submissions from 3 submitters: Benign (3). Last evaluated 2021-04-19.

Conditions:
Parkinson disease 5, autosomal dominant, susceptibility to (PARK5). Also called: Parkinson disease 5, susceptibility to. Identifiers: Orphanet 2828, MedGen C3150899, MONDO:0013340, OMIM 613643.

Allele frequency attached by ClinVar (database versions not stated): ESP Exome Variant Server 0.08473; TOPMed 0.09521; 1000 Genomes Project 30x 0.10337; 1000 Genomes Project 0.10563; ExAC 0.11042.

Submissions (3):

GeneDx
Classification: Benign. Last evaluated: 2021-04-19. Review status: criteria provided, single submitter. Criteria: GeneDx Variant Classification Process June 2021. Collection method: clinical testing. Allele origin: germline. Affected: yes.

Illumina Laboratory Services, Illumina
Classification: Benign for Parkinson disease 5, autosomal dominant, susceptibility to. Last evaluated: 2018-01-12. Review status: criteria provided, single submitter. Criteria: ICSL Variant Classification Criteria 13 December 2019. Collection method: clinical testing. Allele origin: germline.
Comment: This variant was observed in the ICSL laboratory as part of a predisposition screen in an ostensibly healthy population. It had not been previously curated by ICSL or reported in the Human Gene Mutation Database (HGMD: prior to June 1st, 2018), and was therefore a candidate for classification through an automated scoring system. Utilizing variant allele frequency, disease prevalence and penetrance estimates, and inheritance mode, an automated score was calculated to assess if this variant is too frequent to cause the disease. Based on the score and internal cut-off values, a variant classified as benign is not then subjected to further curation. The score for this variant resulted in a classification of benign for this disease.

Breakthrough Genomics
Classification: Benign. Review status: criteria provided, single submitter. Criteria: ACMG Guidelines, 2015. Collection method: not provided. Allele origin: germline. Inheritance: Autosomal recessive inheritance. Affected: yes.